The following is an entry in ClinVar:

NM_138701.4(MPLKIP):c.173dup (p.Ser58_Arg59insTer)

Genes: MPLKIP (M-phase specific PLK1 interacting protein; minus strand), LOC129998295 (ATAC-STARR-seq lymphoblastoid silent region 18117; plus strand). Cytogenetic location: 7p14.1.
Variant type: Duplication.
Coding change: c.173dup on transcript NM_138701.4 (MANE Select); coding-DNA position 173, one base duplicated (C; older notation c.173dupC).
Protein change: p.Ser58_Arg59insTer.
Molecular consequence: frameshift variant.
Genome position (GRCh38, 1-based): chr7:40,134,395, G duplicated on the plus strand (C on the coding strand, the reverse complement: MPLKIP is on the minus strand). VCF-style (leftmost placement, unchanged base first): chr7-40134394-A-AG. GRCh37 (hg19) VCF-style: chr7-40173993-A-AG.
Identifiers: ClinVar variation 280512 (VCV000280512.2), dbSNP rs886041703, ClinGen allele CA10603036.

ClinVar aggregate classification (germline): Pathogenic (1 of 4 stars; one submission).

Allele frequency attached by ClinVar (database versions not stated): gnomAD exomes below 0.00001.

Submission:

GeneDx
Classification: Pathogenic. Last evaluated: 2016-04-15. Review status: criteria provided, single submitter. Criteria: GeneDx Variant Classification (06012015). Collection method: clinical testing. Allele origin: germline. Affected: yes.
Comment: The c.173dupC variant in the MPLKIP gene has not been reported previously as a pathogenic variant nor as a benign variant, to our knowledge. The c.173dupC variant causes a frameshift, changing codon Arginine 59 to a premature Stop codon, denoted p.R59X. This variant is predicted to cause loss of normal protein function through protein truncation or nonsense mediated decay. Data from control individuals were not available to assess whether c.173dupC may be a common benign variant in the general population. Therefore, we interpret c.173dupC as a pathogenic variant.